The following is an entry in ClinVar:

NM_020937.4(FANCM):c.1969C>T (p.Gln657Ter)

Gene: FANCM (FA complementation group M; plus strand). Cytogenetic location: 14q21.2.
Variant type: single nucleotide variant.
Coding change: c.1969C>T on transcript NM_020937.4 (MANE Select); coding-DNA position 1969, C replaced by T.
Protein change: p.Gln657Ter; replaces glutamine 657 with a stop codon.
Molecular consequence: nonsense.
Genome position (GRCh38, 1-based): chr14:45,167,130, C>T. VCF-style: chr14-45167130-C-T. GRCh37 (hg19) VCF-style: chr14-45636333-C-T.
Other names: c.1891C>T, p.Gln631Ter (NM_001308133.2); c.1969C>T, p.Gln657Ter (NM_001308134.2); short protein forms Q657*, Q631*.
Identifiers: ClinVar variation 591248 (VCV000591248.6), dbSNP rs903442271, ClinGen allele CA389595164.

ClinVar aggregate classification (germline): Pathogenic. Review status: criteria provided, single submitter (1 of 4 stars). 2 submissions from 2 submitters: Pathogenic (1). 1 of the submissions does not count toward it. Last evaluated 2022-03-07.

Conditions:
Fanconi anemia (FA). Also called: Fanconi's anemia. Identifiers: Orphanet 84, MedGen C0015625, MeSH D005199, MONDO:0019391.

Allele frequency attached by ClinVar (database versions not stated): gnomAD 0.00001; TOPMed 0.00001.
gnomAD v4.1: 1 of 1,612,252 alleles (0.000062%); highest among the groups gnomAD compares: Non-Finnish European, 0.000085%; no homozygotes.

Submissions (2):

Labcorp Genetics (formerly Invitae), Labcorp
Classification: Pathogenic for Fanconi anemia. Last evaluated: 2022-03-07. Review status: criteria provided, single submitter. Criteria: Invitae Variant Classification Sherloc (09022015). Collection method: clinical testing. Allele origin: germline.
Comment: For these reasons, this variant has been classified as Pathogenic. ClinVar contains an entry for this variant (Variation ID: 591248). This variant has not been reported in the literature in individuals affected with FANCM-related conditions. This variant is not present in population databases (gnomAD no frequency). This sequence change creates a premature translational stop signal (p.Gln657*) in the FANCM gene. It is expected to result in an absent or disrupted protein product. Loss-of-function variants in FANCM are known to be pathogenic (PMID: 29895858, 30075111).

Gharavi Laboratory, Columbia University
Classification: Uncertain significance. Last evaluated: 2018-09-16. Review status: no assertion criteria provided. Criteria: ACMG Guidelines, 2015. Collection method: research. Allele origin: germline. Affected: yes. Not counted in ClinVar's aggregate classification.

Literature cited by the submitters: PubMed 29895858 (cited by Labcorp Genetics (formerly Invitae), Labcorp); PubMed 30075111 (cited by Labcorp Genetics (formerly Invitae), Labcorp).